The following is an entry in ClinVar:

NM_031935.3(HMCN1):c.6151C>T (p.Pro2051Ser)

Gene: HMCN1 (hemicentin 1; plus strand). Cytogenetic location: 1q31.1.
Variant type: single nucleotide variant.
Coding change: c.6151C>T on transcript NM_031935.3 (MANE Select); coding-DNA position 6151, C replaced by T.
Protein change: p.Pro2051Ser; replaces proline 2051 with serine.
Molecular consequence: missense variant.
Genome position (GRCh38, 1-based): chr1:186,039,850, C>T. VCF-style: chr1-186039850-C-T. GRCh37 (hg19) VCF-style: chr1-186008982-C-T.
Other names: short protein forms P2051S.
Identifiers: ClinVar variation 4761773 (VCV004761773.1).

ClinVar aggregate classification (germline): Uncertain significance (1 of 4 stars; one submission).

gnomAD v4.1: 26 of 1,613,166 alleles (0.0016%); highest among the groups gnomAD compares: South Asian, 0.026%; no homozygotes.

Submission:

Labcorp Genetics (formerly Invitae), Labcorp
Classification: Uncertain significance. Last evaluated: 2025-08-17. Review status: criteria provided, single submitter. Criteria: Invitae Variant Classification Sherloc (09022015). Collection method: clinical testing. Allele origin: germline.
Comment: This sequence change replaces proline, which is neutral and non-polar, with serine, which is neutral and polar, at codon 2051 of the HMCN1 protein (p.Pro2051Ser). This variant is present in population databases (rs755401791, gnomAD 0.03%). This variant has not been reported in the literature in individuals affected with HMCN1-related conditions. An algorithm developed to predict the effect of missense changes on protein structure and function (PolyPhen-2) suggests that this variant is likely to be disruptive. In summary, the available evidence is currently insufficient to determine the role of this variant in disease. Therefore, it has been classified as a Variant of Uncertain Significance.